The following is an entry in ClinVar:

NM_001164665.2(KIAA1549):c.1559A>G (p.Gln520Arg)

Gene: KIAA1549 (KIAA1549; minus strand). Cytogenetic location: 7q34.
Variant type: single nucleotide variant.
Coding change: c.1559A>G on transcript NM_001164665.2 (MANE Select); coding-DNA position 1559, A replaced by G.
Protein change: p.Gln520Arg; replaces glutamine 520 with arginine.
Molecular consequence: missense variant.
Genome position (GRCh38, 1-based): chr7:138,918,067, T>C on the plus strand (A>G on the coding strand, the complement: KIAA1549 is on the minus strand). VCF-style: chr7-138918067-T-C. GRCh37 (hg19) VCF-style: chr7-138602813-T-C.
Other names: c.1559A>G, p.Gln520Arg (NM_020910.3); short protein forms Q520R.
Identifiers: ClinVar variation 1942682 (VCV001942682.5), dbSNP rs1033378020, ClinGen allele CA369398130.
Genomic context (GRCh38, chr7:138,918,067, plus strand): 5'-GAGCCAGCAGTAGGATCAAGTGACGCCGGCACAGAGAGGCGGCCGTGGGCAGGGGGAACC[T>C]GTGTGGTTGTAACACTACTCATATCCACCTCGGCAGAAATGCCAACACTCGTCTCTGAGA-3'
Protein context (NP_001158137.1, residues 510-530): EVDMSSVTTT[Gln520Arg]VPPAHGRLSV

ClinVar aggregate classification (germline): Uncertain significance (1 of 4 stars; one submission).

gnomAD v4.1: 8 of 1,613,308 alleles (0.0005%); highest among the groups gnomAD compares: African/African-American, 0.008%; no homozygotes.

Submission:

Labcorp Genetics (formerly Invitae), Labcorp
Classification: Uncertain significance. Last evaluated: 2023-10-13. Review status: criteria provided, single submitter. Criteria: Invitae Variant Classification Sherloc (09022015). Collection method: clinical testing. Allele origin: germline.
Comment: This sequence change replaces glutamine, which is neutral and polar, with arginine, which is basic and polar, at codon 520 of the KIAA1549 protein (p.Gln520Arg). This variant is present in population databases (no rsID available, gnomAD 0.03%). This variant has not been reported in the literature in individuals affected with KIAA1549-related conditions. ClinVar contains an entry for this variant (Variation ID: 1942682). Algorithms developed to predict the effect of missense changes on protein structure and function output the following: SIFT: "Not Available"; PolyPhen-2: "Benign"; Align-GVGD: "Not Available". The arginine amino acid residue is found in multiple mammalian species, which suggests that this missense change does not adversely affect protein function. In summary, the available evidence is currently insufficient to determine the role of this variant in disease. Therefore, it has been classified as a Variant of Uncertain Significance.